The following is an entry in ClinVar:

ClinVar aggregate classification (germline): Uncertain significance. Review status: criteria provided, multiple submitters, no conflicts (2 of 4 stars). 2 submissions from 2 submitters: Uncertain significance (2). Last evaluated 2025-05-21.

Conditions:
Inborn genetic diseases. Identifiers: MedGen C0950123, MeSH D030342.

Allele frequency attached by ClinVar (database versions not stated): gnomAD exomes below 0.00001; gnomAD 0.00001.
gnomAD v4.1: 3 of 1,613,914 alleles (0.00019%); highest among the groups gnomAD compares: African/African-American, 0.0013%; no homozygotes.

Submissions (2):

Ambry Genetics
Classification: Uncertain significance for Inborn genetic diseases. Last evaluated: 2025-05-21. Review status: criteria provided, single submitter. Criteria: Ambry Variant Classification Scheme 2023. Collection method: clinical testing. Allele origin: germline.

Labcorp Genetics (formerly Invitae), Labcorp
Classification: Uncertain significance. Last evaluated: 2024-10-22. Review status: criteria provided, single submitter. Criteria: Invitae Variant Classification Sherloc (09022015). Collection method: clinical testing. Allele origin: germline.
Comment: This sequence change replaces lysine, which is basic and polar, with glutamic acid, which is acidic and polar, at codon 239 of the GZF1 protein (p.Lys239Glu). This variant is present in population databases (no rsID available, gnomAD 0.0009%). This variant has not been reported in the literature in individuals affected with GZF1-related conditions. ClinVar contains an entry for this variant (Variation ID: 1960055). An algorithm developed to predict the effect of missense changes on protein structure and function (PolyPhen-2) suggests that this variant is likely to be disruptive. In summary, the available evidence is currently insufficient to determine the role of this variant in disease. Therefore, it has been classified as a Variant of Uncertain Significance.

NM_022482.5(GZF1):c.715A>G (p.Lys239Glu)

Gene: GZF1 (GDNF inducible zinc finger protein 1; plus strand). Cytogenetic location: 20p11.21.
Variant type: single nucleotide variant.
Coding change: c.715A>G on transcript NM_022482.5 (MANE Select); coding-DNA position 715, A replaced by G.
Protein change: p.Lys239Glu; replaces lysine 239 with glutamic acid.
Molecular consequence: missense variant.
Genome position (GRCh38, 1-based): chr20:23,365,098, A>G. VCF-style: chr20-23365098-A-G. GRCh37 (hg19) VCF-style: chr20-23345735-A-G.
Other names: c.715A>G (NM_022482.3); c.715A>G, p.Lys239Glu (NM_001317012.2, NM_001317019.1); short protein forms K239E.
Identifiers: ClinVar variation 1960055 (VCV001960055.6), dbSNP rs1449579199, ClinGen allele CA408410169.
Genomic context (GRCh38, chr20:23,365,098, plus strand): 5'-ATCAGGAGAGCTAGTGGAAGGCTGGCTGGGAGGAAGGTCTTTGTGGAGATCCCTAAAAAG[A>G]AATATACGAGAAGACTCCGAGAGCAGCAGAAAACTGCTGAGGGTGATGTGGGGGACTACA-3'
Protein context (NP_071927.1, residues 229-249): RKVFVEIPKK[Lys239Glu]YTRRLREQQK